The following is an entry in ClinVar:

NM_004006.3(DMD):c.3774C>A (p.Cys1258Ter)

Gene: DMD (dystrophin; minus strand). Cytogenetic location: Xp21.1.
Variant type: single nucleotide variant.
Coding change: c.3774C>A on transcript NM_004006.3 (MANE Select); coding-DNA position 3774, C replaced by A.
Protein change: p.Cys1258Ter; replaces cysteine 1258 with a stop codon.
Molecular consequence: nonsense.
Genome position (GRCh38, 1-based): chrX:32,448,468, G>T on the plus strand (C>A on the coding strand, the complement: DMD is on the minus strand). VCF-style: chrX-32448468-G-T. GRCh37 (hg19) VCF-style: chrX-32466585-G-T.
Other names: c.3750C>A, p.Cys1250Ter (NM_000109.4); c.3762C>A, p.Cys1254Ter (NM_004009.3); c.3405C>A, p.Cys1135Ter (NM_004010.3); short protein forms C1135*, C1250*, C1254*, C1258*.
Identifiers: ClinVar variation 1322520 (VCV001322520.6), dbSNP rs1569562933, ClinGen allele CA412661608.

ClinVar aggregate classification (germline): Pathogenic. Review status: criteria provided, multiple submitters, no conflicts (2 of 4 stars). 4 submissions from 4 submitters: Pathogenic (4). Last evaluated 2025-07-23.

Conditions:
Duchenne muscular dystrophy (DMD). Also called: MUSCULAR DYSTROPHY, PSEUDOHYPERTROPHIC PROGRESSIVE, DUCHENNE TYPE; Duchenne Muscular Dystrophy (DMD). Identifiers: Orphanet 98896, MedGen C0013264, MONDO:0010679, OMIM 310200.

Submissions (4):

Labcorp Genetics (formerly Invitae), Labcorp
Classification: Pathogenic for Duchenne muscular dystrophy. Last evaluated: 2025-07-23. Review status: criteria provided, single submitter. Criteria: Invitae Variant Classification Sherloc (09022015). Collection method: clinical testing. Allele origin: germline.
Comment: This sequence change creates a premature translational stop signal (p.Cys1258*) in the DMD gene. It is expected to result in an absent or disrupted protein product. Loss-of-function variants in DMD are known to be pathogenic (PMID: 16770791, 25007885). This variant is not present in population databases (gnomAD no frequency). This premature translational stop signal has been observed in individual(s) with DMD-related conditions (PMID: 27122458). ClinVar contains an entry for this variant (Variation ID: 1322520). Algorithms developed to predict the effect of sequence changes on RNA splicing suggest that this variant may disrupt the consensus splice site. For these reasons, this variant has been classified as Pathogenic.

Neuberg Centre For Genomic Medicine, NCGM
Classification: Pathogenic for Duchenne muscular dystrophy. Last evaluated: 2023-07-22. Review status: criteria provided, single submitter. Criteria: ACMG Guidelines, 2015. Collection method: clinical testing. Allele origin: germline. Inheritance: X-linked recessive inheritance. Affected: yes.
Comment: The observed stop gained c.3774C>Ap.Cys1258Ter variant in DMD gene has been reported previously in X-linked state in individuals affected with Duchenne/Becker muscular dystrophy Bai et al., 2016. This variant is absent in gnomAD Exomes. This variant has been reported to the ClinVar database as Pathogenic. This variant is predicted to cause loss of normal protein function either through protein truncation or nonsense-mediated mRNA decay. Loss of function variants have been previously reported to be disease causing. Computational evidence MutationTaster - Disease causing automatic predicts damaging effect on protein structure and function for this variant. For these reasons, this variant has been classified as Pathogenic.

Laboratory of Medical Genetics, National & Kapodistrian University of Athens
Classification: Pathogenic for Duchenne muscular dystrophy. Last evaluated: 2022-12-16. Review status: criteria provided, single submitter. Criteria: ACMG Guidelines, 2015. Collection method: clinical testing. Allele origin: germline. Affected: yes.
Comment: PVS1, PM2, PP5

Kasturba Medical College, Manipal, Kasturba Medical College, Manipal, Manipal Academy of Higher Education, Manipal, India
Classification: Pathogenic for Duchenne muscular dystrophy. Review status: criteria provided, single submitter. Criteria: ACMG Guidelines, 2015. Collection method: clinical testing. Allele origin: maternal. Inheritance: X-linked recessive inheritance. Affected: yes. Observed: 1 hemizygote.
Comment: In silico prediction tools (MutationTaster and CADD_Phred) are consistent in predicting the variant to be damaging to DMD protein function. This variant has been reported in individuals with DMD earlier (ClinVar ID- 1322520; Bai et al., 2016). The clinical features in the proband are in concordance with DMD.

Literature cited by the submitters: PubMed 16770791 (cited by Labcorp Genetics (formerly Invitae), Labcorp); PubMed 25007885 (cited by Labcorp Genetics (formerly Invitae), Labcorp); PubMed 27122458 (cited by Labcorp Genetics (formerly Invitae), Labcorp and Laboratory of Medical Genetics, National & Kapodistrian University of Athens).